The following is an entry in ClinVar:

ClinVar aggregate classification (germline): Likely benign. Review status: criteria provided, multiple submitters, no conflicts (2 of 4 stars). 3 submissions from 3 submitters: Likely benign (3). Last evaluated 2025-12-22.

Conditions:
Hereditary cancer-predisposing syndrome. Also called: Neoplastic Syndromes, Hereditary; Hereditary Cancer Syndrome; Hereditary neoplastic syndrome; Tumor predisposition. Identifiers: Orphanet 140162, MedGen C0027672, MeSH D009386, MONDO:0015356.
BAP1-related tumor predisposition syndrome (TPDS1). Also called: COMMON Syndrome; TUMOR PREDISPOSITION SYNDROME 1; BAP1 tumor predisposition syndrome; Tumor susceptibility linked to germline BAP1 mutations. Identifiers: Orphanet 289539, MedGen C3280492, MONDO:0013692, OMIM 614327.

Allele frequency attached by ClinVar (database versions not stated): ExAC below 0.00001; gnomAD exomes below 0.00001 and 0.00001; gnomAD 0.00002; TOPMed 0.00004.

Submissions (3):

Labcorp Genetics (formerly Invitae), Labcorp
Classification: Likely benign for BAP1-related tumor predisposition syndrome. Last evaluated: 2025-12-22. Review status: criteria provided, single submitter. Criteria: Invitae Variant Classification Sherloc (09022015). Collection method: clinical testing. Allele origin: germline.

Myriad Genetics, Inc.
Classification: Likely benign for BAP1-related tumor predisposition syndrome. Last evaluated: 2024-07-12. Review status: criteria provided, single submitter. Criteria: Myriad Autosomal Dominant, Autosomal Recessive and X-Linked Classification Criteria (2023). Collection method: clinical testing. Allele origin: unknown.
Comment: This variant is considered likely benign. This variant is intronic and is not expected to impact mRNA splicing.

Color Diagnostics, LLC DBA Color Health
Classification: Likely benign for Hereditary cancer-predisposing syndrome. Last evaluated: 2018-02-27. Review status: criteria provided, single submitter. Criteria: ACMG Guidelines, 2015. Collection method: clinical testing. Allele origin: germline.

NM_004656.4(BAP1):c.659+10C>T

Gene: BAP1 (BRCA1 associated deubiquitinase 1; minus strand). Cytogenetic location: 3p21.1.
Variant type: single nucleotide variant.
Coding change: c.659+10C>T on transcript NM_004656.4 (MANE Select); 10 bases into the intron after coding-DNA position 659, C replaced by T.
Molecular consequence: intron variant.
Genome position (GRCh38, 1-based): chr3:52,406,819, G>A on the plus strand (C>T on the coding strand, the complement: BAP1 is on the minus strand). VCF-style: chr3-52406819-G-A. GRCh37 (hg19) VCF-style: chr3-52440835-G-A.
Identifiers: ClinVar variation 539933 (VCV000539933.11), dbSNP rs778976365, ClinGen allele CA2437039.